The following is an entry in ClinVar:

ClinVar aggregate classification (germline): Uncertain significance. Review status: criteria provided, multiple submitters, no conflicts (2 of 4 stars). 2 submissions from 2 submitters: Uncertain significance (2). Last evaluated 2025-03-28.

Conditions:
Hereditary cancer-predisposing syndrome. Also called: Tumor predisposition; Neoplastic Syndromes, Hereditary; Hereditary neoplastic syndrome; Hereditary Cancer Syndrome. Identifiers: Orphanet 140162, MedGen C0027672, MeSH D009386, MONDO:0015356.

Submissions (2):

Ambry Genetics
Classification: Uncertain significance for Hereditary cancer-predisposing syndrome. Last evaluated: 2025-03-28. Review status: criteria provided, single submitter. Criteria: Ambry Variant Classification Scheme 2023. Collection method: clinical testing. Allele origin: germline.
Comment: The p.S171N variant (also known as c.512G>A), located in coding exon 5 of the MITF gene, results from a G to A substitution at nucleotide position 512. The serine at codon 171 is replaced by asparagine, an amino acid with highly similar properties. This amino acid position is conserved. In addition, this alteration is predicted to be tolerated by in silico analysis. Based on the available evidence, the clinical significance of this variant remains unclear.

GeneDx
Classification: Uncertain significance. Last evaluated: 2024-01-17. Review status: criteria provided, single submitter. Criteria: GeneDx Variant Classification Process June 2021. Collection method: clinical testing. Allele origin: germline. Affected: yes.
Comment: Not observed at significant frequency in large population cohorts (gnomAD); In silico analysis supports that this missense variant has a deleterious effect on protein structure/function; Has not been previously published as pathogenic or benign to our knowledge

NM_001354604.2(MITF):c.833G>A (p.Ser278Asn)

Gene: MITF (melanocyte inducing transcription factor; plus strand). Cytogenetic location: 3p13.
Variant type: single nucleotide variant.
Coding change: c.833G>A on transcript NM_001354604.2 (MANE Select); coding-DNA position 833, G replaced by A.
Protein change: p.Ser278Asn; replaces serine 278 with asparagine.
Molecular consequence: missense variant.
Genome position (GRCh38, 1-based): chr3:69,949,121, G>A. VCF-style: chr3-69949121-G-A. GRCh37 (hg19) VCF-style: chr3-69998272-G-A.
Other names: c.512G>A, p.Ser171Asn (NM_000248.4, NM_198158.3); c.677G>A, p.Ser226Asn (NM_001184967.2, NM_001354608.2); c.830G>A, p.Ser277Asn (NM_001354605.2, NM_001354606.2, NM_006722.3); c.782G>A, p.Ser261Asn (NM_001354607.2); c.833G>A, p.Ser278Asn (NM_198159.3); c.785G>A, p.Ser262Asn (NM_198177.3); c.344G>A, p.Ser115Asn (NM_198178.3); short protein forms S115N, S171N, S226N, S261N, S262N, S277N, S278N.
Identifiers: ClinVar variation 3367862 (VCV003367862.2).